The following is an entry in ClinVar:

ClinVar aggregate classification (germline): Uncertain significance. Review status: criteria provided, multiple submitters, no conflicts (2 of 4 stars). 2 submissions from 2 submitters: Uncertain significance (2). Last evaluated 2023-12-14.

Submissions (2):

Blueprint Genetics
Classification: Uncertain significance. Last evaluated: 2023-12-14. Review status: criteria provided, single submitter. Criteria: ACMG Guidelines, 2015. Collection method: clinical testing. Allele origin: germline.

Labcorp Genetics (formerly Invitae), Labcorp
Classification: Uncertain significance. Last evaluated: 2023-08-04. Review status: criteria provided, single submitter. Criteria: Invitae Variant Classification Sherloc (09022015). Collection method: clinical testing. Allele origin: germline.
Comment: This sequence change replaces leucine, which is neutral and non-polar, with phenylalanine, which is neutral and non-polar, at codon 54 of the ZC4H2 protein (p.Leu54Phe). This variant is not present in population databases (gnomAD no frequency). This variant has not been reported in the literature in individuals affected with ZC4H2-related conditions. ClinVar contains an entry for this variant (Variation ID: 2088343). An algorithm developed to predict the effect of missense changes on protein structure and function (PolyPhen-2) suggests that this variant is likely to be disruptive. In summary, the available evidence is currently insufficient to determine the role of this variant in disease. Therefore, it has been classified as a Variant of Uncertain Significance.

NM_018684.4(ZC4H2):c.160C>T (p.Leu54Phe)

Gene: ZC4H2 (zinc finger C4H2-type containing; minus strand). Cytogenetic location: Xq11.2.
Variant type: single nucleotide variant.
Coding change: c.160C>T on transcript NM_018684.4 (MANE Select); coding-DNA position 160, C replaced by T.
Protein change: p.Leu54Phe; replaces leucine 54 with phenylalanine.
Molecular consequence: missense variant. On other transcripts: non-coding transcript variant (1).
Genome position (GRCh38, 1-based): chrX:64,921,882, G>A on the plus strand (C>T on the coding strand, the complement: ZC4H2 is on the minus strand). VCF-style: chrX-64921882-G-A. GRCh37 (hg19) VCF-style: chrX-64141762-G-A.
Other names: c.91C>T, p.Leu31Phe (NM_001178032.3, NM_001243804.2); c.160C>T, p.Leu54Phe (NM_001178033.3); short protein forms L31F, L54F.
Identifiers: ClinVar variation 2088343 (VCV002088343.5), dbSNP rs2519696351, ClinGen allele CA413412236.
Genomic context (GRCh38, chrX:64,921,882, plus strand): 5'-TGATGTCAGCGTGGATCAGTCGGAGTTCCTCCACATGGGCCATCTTCTCCTGTAGCAGAA[G>A]GTCCATCTCCTGCTTGTATTCCTTCAGGTGCCTTTCCTCTGACTCAAGTGCCTCAAACTC-3'
Protein context (NP_061154.1, residues 44-64): HLKEYKQEMD[Leu54Phe]LLQEKMAHVE